The following is an entry in ClinVar:

ClinVar aggregate classification (germline): Uncertain significance. Review status: criteria provided, multiple submitters, no conflicts (2 of 4 stars). 3 submissions from 3 submitters: Uncertain significance (3). Last evaluated 2025-08-17.

Allele frequency attached by ClinVar (database versions not stated): gnomAD exomes below 0.00001; TOPMed 0.00002; gnomAD 0.00005 and 0.00006.
gnomAD v4.1: 8 of 1,613,960 alleles (0.0005%); highest among the groups gnomAD compares: African/African-American, 0.011%; no homozygotes.

Submissions (3):

Labcorp Genetics (formerly Invitae), Labcorp
Classification: Uncertain significance. Last evaluated: 2025-08-17. Review status: criteria provided, single submitter. Criteria: Invitae Variant Classification Sherloc (09022015). Collection method: clinical testing. Allele origin: germline.
Comment: This sequence change replaces glutamine, which is neutral and polar, with arginine, which is basic and polar, at codon 1102 of the RP1 protein (p.Gln1102Arg). The frequency data for this variant in the population databases is considered unreliable, as metrics indicate poor data quality at this position in the gnomAD database. This variant has not been reported in the literature in individuals affected with RP1-related conditions. ClinVar contains an entry for this variant (Variation ID: 95351). An algorithm developed to predict the effect of missense changes on protein structure and function outputs the following: PolyPhen-2: "Probably Damaging". The arginine amino acid residue is found in multiple mammalian species, which suggests that this missense change does not adversely affect protein function. In summary, the available evidence is currently insufficient to determine the role of this variant in disease. Therefore, it has been classified as a Variant of Uncertain Significance.

Blueprint Genetics
Classification: Uncertain significance. Last evaluated: 2021-09-01. Review status: criteria provided, single submitter. Criteria: ACMG Guidelines, 2015. Collection method: clinical testing. Allele origin: germline.

Eurofins Ntd Llc (ga)
Classification: Uncertain significance. Last evaluated: 2013-08-14. Review status: criteria provided, single submitter. Criteria: EGL Classification Definitions 2015. Collection method: clinical testing. Allele origin: germline. Observed: 1 variant allele, 1 heterozygote.

NM_006269.2(RP1):c.3305A>G (p.Gln1102Arg)

Gene: RP1 (RP1 axonemal microtubule associated; plus strand). Cytogenetic location: 8q12.1.
Variant type: single nucleotide variant.
Coding change: c.3305A>G on transcript NM_006269.2 (MANE Select); coding-DNA position 3305, A replaced by G.
Protein change: p.Gln1102Arg; replaces glutamine 1102 with arginine.
Molecular consequence: missense variant.
Genome position (GRCh38, 1-based): chr8:54,627,187, A>G. VCF-style: chr8-54627187-A-G. GRCh37 (hg19) VCF-style: chr8-55539747-A-G.
Other names: short protein forms Q1102R.
Identifiers: ClinVar variation 95351 (VCV000095351.51), dbSNP rs398124219, ClinGen allele CA222917.
Genomic context (GRCh38, chr8:54,627,187, plus strand): 5'-TCTTACCAGTCCTGATGCTTCACCAATTGCAAGCTTCAGTTCCTGGTATTCACAAGACTC[A>G]GAATGGAGTTGTTCAAATGCCAGGTTCACTTGCAGGTGTTCCCTTTCATTCTGCAATATG-3'
Protein context (NP_006260.1, residues 1092-1112): QASVPGIHKT[Gln1102Arg]NGVVQMPGSL